The following is an entry in ClinVar:

ClinVar aggregate classification (germline): Uncertain significance (1 of 4 stars; one submission).

Submission:

Ambry Genetics
Classification: Uncertain significance. Last evaluated: 2025-05-24. Review status: criteria provided, single submitter. Criteria: Ambry Variant Classification Scheme 2023. Collection method: clinical testing. Allele origin: germline.
Comment: The p.T719I variant (also known as c.2156C>T), located in coding exon 18 of the A2ML1 gene, results from a C to T substitution at nucleotide position 2156. The threonine at codon 719 is replaced by isoleucine, an amino acid with similar properties. This amino acid position is conserved. In addition, this alteration is predicted to be tolerated by in silico analysis. Based on the available evidence, the clinical significance of this variant remains unclear.

NM_144670.6(A2ML1):c.2156C>T (p.Thr719Ile)

Gene: A2ML1 (alpha-2-macroglobulin like 1; plus strand). Cytogenetic location: 12p13.31.
Variant type: single nucleotide variant.
Coding change: c.2156C>T on transcript NM_144670.6 (MANE Select); coding-DNA position 2156, C replaced by T.
Protein change: p.Thr719Ile; replaces threonine 719 with isoleucine.
Molecular consequence: missense variant.
Genome position (GRCh38, 1-based): chr12:8,850,196, C>T. VCF-style: chr12-8850196-C-T. GRCh37 (hg19) VCF-style: chr12-9002792-C-T.
Other names: c.683C>T, p.Thr228Ile (NM_001282424.3); short protein forms T228I, T719I.
Identifiers: ClinVar variation 4055071 (VCV004055071.1).
Genomic context (GRCh38, chr12:8,850,196, plus strand): 5'-TTTTCGTATTCTCAATTTCATCAGCAGGCGGTGGTCATCCAGAGGCTTTTGAGTCATCAA[C>T]TCCTTTACATCAAGCAGAGGATTCTCAGGTCCGCCAGTACTTCCCAGAGACCTGGCTCTG-3'
Protein context (NP_653271.3, residues 709-729): GGHPEAFESS[Thr719Ile]PLHQAEDSQV